The following is an entry in ClinVar:

NM_152296.5(ATP1A3):c.380C>T (p.Ala127Val)

Gene: ATP1A3 (ATPase Na+/K+ transporting subunit alpha 3; minus strand). Cytogenetic location: 19q13.2.
Variant type: single nucleotide variant.
Coding change: c.380C>T on transcript NM_152296.5 (MANE Select); coding-DNA position 380, C replaced by T.
Protein change: p.Ala127Val; replaces alanine 127 with valine.
Molecular consequence: missense variant.
Genome position (GRCh38, 1-based): chr19:41,986,207, G>A on the plus strand (C>T on the coding strand, the complement: ATP1A3 is on the minus strand). VCF-style: chr19-41986207-G-A. GRCh37 (hg19) VCF-style: chr19-42490359-G-A.
Other names: c.413C>T, p.Ala138Val (NM_001256213.2); c.419C>T, p.Ala140Val (NM_001256214.2); short protein forms A127V, A138V, A140V.
Identifiers: ClinVar variation 1333662 (VCV001333662.1), dbSNP rs2075284959, ClinGen allele CA406055593.

ClinVar aggregate classification (germline): Likely pathogenic (1 of 4 stars; one submission).

Conditions:
Developmental and epileptic encephalopathy 99. Identifiers: MedGen C5562018, MONDO:0030473, OMIM 619606.

Allele frequency attached by ClinVar (database versions not stated): TOPMed 0.00001.
gnomAD v4.1: 5 of 1,613,930 alleles (0.00031%); highest among the groups gnomAD compares: Non-Finnish European, 0.00042%; no homozygotes.

Submission:

3billion
Classification: Likely pathogenic for Developmental and epileptic encephalopathy 99. Last evaluated: 2022-01-03. Review status: criteria provided, single submitter. Criteria: ACMG Guidelines, 2015. Collection method: clinical testing. Allele origin: germline. Affected: yes. Observed: 1 heterozygote.
Comment: The variant was observed to be de novo (3billion dataset, PS2_S). It is not observed in the gnomAD v2.1.1 dataset (PM2_M). A missense variant is a common mechanism associated with Developmental and epileptic encephalopathy 99 (PP2_P). In silico tool predictions suggest no damaging effect of the variant on gene or gene product (REVEL:0.446, 3CNET:0.191, BP4_P). Therefore, this variant is classified as likely pathogenic according to the recommendation of ACMG/AMP guideline.